The following is an entry in ClinVar:

NM_001267550.2(TTN):c.103185dup (p.Trp34396fs)

Genes: TTN-AS1 (TTN antisense RNA 1; plus strand), TTN (titin; minus strand). Cytogenetic location: 2q31.2.
Variant type: Duplication.
Coding change: c.103185dup on transcript NM_001267550.2 (MANE Select); coding-DNA position 103185, one base duplicated (A; older notation c.103185dupA).
Protein change: p.Trp34396fs; shifts the reading frame from tryptophan 34396.
Molecular consequence: frameshift variant.
Genome position (GRCh38, 1-based): chr2:178,533,430, T duplicated on the plus strand (A on the coding strand, the reverse complement: TTN is on the minus strand); the first of 4 consecutive T bases (chr2:178,533,430-178,533,433); duplicating any one gives the same sequence. VCF-style (leftmost placement, unchanged base first): chr2-178533429-A-AT. GRCh37 (hg19) VCF-style: chr2-179398156-A-AT.
Other names: c.98262dup, p.Trp32755fs (NM_001256850.1); c.75990dup, p.Trp25331fs (NM_003319.4); c.95481dup, p.Trp31828fs (NM_133378.4); c.76365dup, p.Trp25456fs (NM_133432.3); c.76566dup, p.Trp25523fs (NM_133437.4); short protein forms W31828fs, W25523fs, W25331fs, W25456fs, W32755fs, W34396fs.
Identifiers: ClinVar variation 4784858 (VCV004784858.1).

ClinVar aggregate classification (germline): Likely pathogenic (1 of 4 stars; one submission).

Conditions:
Autosomal recessive limb-girdle muscular dystrophy type 2J (LGMDR10). Also called: Limb-girdle muscular dystrophy, type 2J; MUSCULAR DYSTROPHY, LIMB-GIRDLE, AUTOSOMAL RECESSIVE 10. Identifiers: Orphanet 140922, MedGen C1837342, MONDO:0012127, OMIM 608807.
Dilated cardiomyopathy 1G (CMD1G). Identifiers: Orphanet 154, MedGen C1858763, MONDO:0011400, OMIM 604145.

Submission:

Labcorp Genetics (formerly Invitae), Labcorp
Classification: Likely pathogenic for Dilated cardiomyopathy 1G; Autosomal recessive limb-girdle muscular dystrophy type 2J. Last evaluated: 2025-04-28. Review status: criteria provided, single submitter. Criteria: Invitae Variant Classification Sherloc (09022015). Collection method: clinical testing. Allele origin: germline.
Comment: This sequence change creates a premature translational stop signal (p.Trp34396Metfs*13) in the TTN gene. While this is not anticipated to result in nonsense mediated decay, it is expected to create a truncated TTN protein. This variant is not present in population databases (gnomAD no frequency). This variant has not been reported in the literature in individuals affected with TTN-related conditions. This variant is located in the M band of TTN (PMID: 25589632). Truncating variants in this region have been previously reported in individuals affected with autosomal dominant or autosomal recessive myopathy and muscular dystrophy (PMID: 18948003, 23975875, 24395473). Truncating variants in this region have also been identified in individuals affected with autosomal dominant dilated cardiomyopathy and/or cardio-related conditions (PMID: 27869827, 32964742, internal data). In summary, the currently available evidence indicates that the variant is pathogenic, but additional data are needed to prove that conclusively. Therefore, this variant has been classified as Likely Pathogenic.

Literature cited by the submitters: PubMed 25589632; PubMed 18948003; PubMed 23975875; PubMed 24395473; PubMed 27869827; PubMed 32964742.